The following is an entry in ClinVar:

NM_017636.4(TRPM4):c.712G>A (p.Gly238Ser)

Gene: TRPM4 (transient receptor potential cation channel subfamily M member 4; plus strand). Cytogenetic location: 19q13.33.
Variant type: single nucleotide variant.
Coding change: c.712G>A on transcript NM_017636.4 (MANE Select); coding-DNA position 712, G replaced by A.
Protein change: p.Gly238Ser; replaces glycine 238 with serine.
Molecular consequence: missense variant. On other transcripts: 5 prime UTR variant (2).
Genome position (GRCh38, 1-based): chr19:49,168,652, G>A. VCF-style: chr19-49168652-G-A. GRCh37 (hg19) VCF-style: chr19-49671909-G-A.
Other names: c.712G>A, p.Gly238Ser (NM_001195227.2); c.367G>A, p.Gly123Ser (NM_001321281.2); c.-842G>A (NM_001321282.2); c.190G>A, p.Gly64Ser (NM_001321283.2); c.-138G>A (NM_001321285.2); short protein forms G64S, G123S, G238S.
Identifiers: ClinVar variation 951261 (VCV000951261.12), dbSNP rs923280649, ClinGen allele CA309431556.

ClinVar aggregate classification (germline): Uncertain significance. Review status: criteria provided, multiple submitters, no conflicts (2 of 4 stars). 4 submissions from 4 submitters: Uncertain significance (4). Last evaluated 2025-02-13.

Conditions:
Cardiovascular phenotype. Identifiers: MedGen CN230736.
Progressive familial heart block type IB (PFHB1B). Identifiers: Orphanet 871, MedGen C1970298, MONDO:0011474, OMIM 604559.
Erythrokeratodermia variabilis et progressiva 6. Identifiers: MedGen C5193144, MONDO:0032801, OMIM 618531.

Allele frequency attached by ClinVar (database versions not stated): TOPMed below 0.00001; gnomAD 0.00001; gnomAD exomes 0.00001.
gnomAD v4.1: 9 of 1,613,190 alleles (0.00056%); highest among the groups gnomAD compares: East Asian, 0.0022%; no homozygotes.

Submissions (4):

Ambry Genetics
Classification: Uncertain significance for Cardiovascular phenotype. Last evaluated: 2025-02-13. Review status: criteria provided, single submitter. Criteria: Ambry Variant Classification Scheme 2023. Collection method: clinical testing. Allele origin: germline.
Comment: The p.G238S variant (also known as c.712G>A), located in coding exon 6 of the TRPM4 gene, results from a G to A substitution at nucleotide position 712. The glycine at codon 238 is replaced by serine, an amino acid with similar properties. This amino acid position is conserved. In addition, the in silico prediction for this alteration is inconclusive. Based on the available evidence, the clinical significance of this variant remains unclear.

GeneDx
Classification: Uncertain significance. Last evaluated: 2022-09-15. Review status: criteria provided, single submitter. Criteria: GeneDx Variant Classification Process June 2021. Collection method: clinical testing. Allele origin: germline. Affected: yes.
Comment: Has not been previously published as pathogenic or benign to our knowledge; Not observed at significant frequency in large population cohorts (gnomAD); In silico analysis supports that this missense variant has a deleterious effect on protein structure/function

Labcorp Genetics (formerly Invitae), Labcorp
Classification: Uncertain significance for Progressive familial heart block type IB. Last evaluated: 2022-02-10. Review status: criteria provided, single submitter. Criteria: Invitae Variant Classification Sherloc (09022015). Collection method: clinical testing. Allele origin: germline.
Comment: This sequence change replaces glycine, which is neutral and non-polar, with serine, which is neutral and polar, at codon 238 of the TRPM4 protein (p.Gly238Ser). This variant is not present in population databases (gnomAD no frequency). This variant has not been reported in the literature in individuals affected with TRPM4-related conditions. ClinVar contains an entry for this variant (Variation ID: 951261). Algorithms developed to predict the effect of missense changes on protein structure and function (SIFT, PolyPhen-2, Align-GVGD) all suggest that this variant is likely to be disruptive. Algorithms developed to predict the effect of sequence changes on RNA splicing suggest that this variant may create or strengthen a splice site. In summary, the available evidence is currently insufficient to determine the role of this variant in disease. Therefore, it has been classified as a Variant of Uncertain Significance.

Fulgent Genetics
Classification: Uncertain significance for Progressive familial heart block type IB; Erythrokeratodermia variabilis et progressiva 6. Last evaluated: 2021-10-29. Review status: criteria provided, single submitter. Criteria: ACMG Guidelines, 2015. Collection method: clinical testing. Allele origin: unknown.